The following is an entry in ClinVar:

NM_003611.3(OFD1):c.1654+14T>A

Gene: OFD1 (OFD1 centriole and centriolar satellite protein; plus strand). Cytogenetic location: Xp22.2.
Variant type: single nucleotide variant.
Coding change: c.1654+14T>A on transcript NM_003611.3 (MANE Select); 14 bases into the intron after coding-DNA position 1654, T replaced by A.
Molecular consequence: intron variant.
Genome position (GRCh38, 1-based): chrX:13,758,462, T>A. VCF-style: chrX-13758462-T-A. GRCh37 (hg19) VCF-style: chrX-13776581-T-A.
Other names: c.1234+14T>A (NM_001330210.2); c.1534+14T>A (NM_001330209.2).
Identifiers: ClinVar variation 259096 (VCV000259096.13), dbSNP rs192720874, ClinGen allele CA10351862.

ClinVar aggregate classification (germline): Benign/Likely benign. Review status: criteria provided, multiple submitters, no conflicts (2 of 4 stars). 5 submissions from 5 submitters: Benign (1); Likely benign (4). Last evaluated 2026-01-24.

Conditions:
Joubert syndrome. Also called: Familial aplasia of the vermis; JOUBERT-BOLTSHAUSER SYNDROME. Identifiers: Orphanet 475, MedGen C5979921, MONDO:0018772.
Orofaciodigital syndrome I (OFD1). Also called: Oral-Facial-Digital Syndrome Type I; Papillon-Leage and Psaume Syndrome; OFDS I. Identifiers: Orphanet 2750, MedGen C1510460, MONDO:0010702, OMIM 311200.
Retinitis pigmentosa 23 (RP23). Identifiers: Orphanet 791, MedGen C1419610, MONDO:0010320, OMIM 300424.
Simpson-Golabi-Behmel syndrome type 2. Identifiers: Orphanet 79022, MedGen C1846175, MONDO:0010265, OMIM 300209.
Joubert syndrome 10 (JBTS10). Identifiers: Orphanet 2754, MedGen C2749019, MONDO:0010431, OMIM 300804.

Allele frequency attached by ClinVar (database versions not stated): gnomAD exomes 0.00037 and 0.00012; ExAC 0.00054; ESP Exome Variant Server 0.00104; gnomAD 0.00129 and 0.00131; TOPMed 0.00143; 1000 Genomes Project 30x 0.00146; 1000 Genomes Project 0.00159.

Submissions (5):

Labcorp Genetics (formerly Invitae), Labcorp
Classification: Benign for Orofaciodigital syndrome I; Joubert syndrome. Last evaluated: 2026-01-24. Review status: criteria provided, single submitter. Criteria: Invitae Variant Classification Sherloc (09022015). Collection method: clinical testing. Allele origin: germline.

Blueprint Genetics
Classification: Likely benign. Last evaluated: 2024-07-30. Review status: criteria provided, single submitter. Criteria: ACMG Guidelines, 2015. Collection method: clinical testing. Allele origin: germline.

Fulgent Genetics
Classification: Likely benign for Simpson-Golabi-Behmel syndrome type 2; Retinitis pigmentosa 23; Joubert syndrome 10; Orofaciodigital syndrome I. Last evaluated: 2021-08-12. Review status: criteria provided, single submitter. Criteria: ACMG Guidelines, 2015. Collection method: clinical testing. Allele origin: unknown.

GeneDx
Classification: Likely benign. Last evaluated: 2017-06-01. Review status: criteria provided, single submitter. Criteria: GeneDx Variant Classification (06012015). Collection method: clinical testing. Allele origin: germline. Affected: yes.
Comment: This variant is considered likely benign or benign based on one or more of the following criteria: it is a conservative change, it occurs at a poorly conserved position in the protein, it is predicted to be benign by multiple in silico algorithms, and/or has population frequency not consistent with disease.

PreventionGenetics, part of Exact Sciences
Classification: Likely benign. Review status: criteria provided, single submitter. Criteria: ACMG Guidelines, 2015. Collection method: clinical testing. Allele origin: germline.